The following is an entry in ClinVar:

NM_014679.5(CEP57):c.187G>C (p.Glu63Gln)

Gene: CEP57 (centrosomal protein 57; plus strand). Cytogenetic location: 11q21.
Variant type: single nucleotide variant.
Coding change: c.187G>C on transcript NM_014679.5 (MANE Select); coding-DNA position 187, G replaced by C.
Protein change: p.Glu63Gln; replaces glutamic acid 63 with glutamine.
Molecular consequence: missense variant.
Genome position (GRCh38, 1-based): chr11:95,799,373, G>C. VCF-style: chr11-95799373-G-C. GRCh37 (hg19) VCF-style: chr11-95532537-G-C.
Other names: c.187G>C, p.Glu63Gln (NM_001440871.1, NM_001440872.1, NM_001440873.1 and 6 more transcripts); c.106G>C, p.Glu36Gln (NM_001440875.1, NM_001440877.1, NM_001440878.1 and 4 more transcripts); c.160G>C, p.Glu54Gln (NM_001243776.2); short protein forms E54Q, E63Q, E36Q.
Identifiers: ClinVar variation 4226364 (VCV004226364.1).

ClinVar aggregate classification (germline): Uncertain significance (1 of 4 stars; one submission).

Conditions:
Inborn genetic diseases. Identifiers: MedGen C0950123, MeSH D030342.

Submission:

Ambry Genetics
Classification: Uncertain significance for Inborn genetic diseases. Last evaluated: 2025-08-01. Review status: criteria provided, single submitter. Criteria: Ambry Variant Classification Scheme 2023. Collection method: clinical testing. Allele origin: germline.
Comment: The p.E63Q variant (also known as c.187G>C), located in coding exon 2 of the CEP57 gene, results from a G to C substitution at nucleotide position 187. The glutamic acid at codon 63 is replaced by glutamine, an amino acid with highly similar properties. This amino acid position is conserved. In addition, this alteration is predicted to be tolerated by in silico analysis. Based on the available evidence, the clinical significance of this variant remains unclear.